The following is an entry in ClinVar:

ClinVar aggregate classification (germline): Likely benign. Review status: criteria provided, multiple submitters, no conflicts (2 of 4 stars). 3 submissions from 3 submitters: Likely benign (2). 1 of the submissions does not count toward it. Last evaluated 2025-11-27.

Conditions:
MCM3AP-related disorder. Also called: MCM3AP-related condition.
Inborn genetic diseases. Identifiers: MedGen C0950123, MeSH D030342.

Allele frequency attached by ClinVar (database versions not stated): 1000 Genomes Project 30x 0.00031; 1000 Genomes Project 0.00040.
gnomAD v4.1: 139 of 1,614,200 alleles (0.0086%); highest among the groups gnomAD compares: East Asian, 0.19%; no homozygotes.

Submissions (3):

Labcorp Genetics (formerly Invitae), Labcorp
Classification: Likely benign. Last evaluated: 2025-11-27. Review status: criteria provided, single submitter. Criteria: Invitae Variant Classification Sherloc (09022015). Collection method: clinical testing. Allele origin: germline.

Ambry Genetics
Classification: Likely benign for Inborn genetic diseases. Last evaluated: 2022-10-04. Review status: criteria provided, single submitter. Criteria: Ambry Variant Classification Scheme 2023. Collection method: clinical testing. Allele origin: germline.

PreventionGenetics, part of Exact Sciences
Classification: Likely benign for MCM3AP-related condition. Last evaluated: 2022-10-04. Review status: no assertion criteria provided. Collection method: clinical testing. Allele origin: germline. Not counted in ClinVar's aggregate classification.
Comment: This variant is classified as likely benign based on ACMG/AMP sequence variant interpretation guidelines (Richards et al. 2015 PMID: 25741868, with internal and published modifications).

NM_003906.5(MCM3AP):c.998G>T (p.Arg333Leu)

Gene: MCM3AP (minichromosome maintenance complex component 3 associated protein; minus strand). Cytogenetic location: 21q22.3.
Variant type: single nucleotide variant.
Coding change: c.998G>T on transcript NM_003906.5 (MANE Select); coding-DNA position 998, G replaced by T.
Protein change: p.Arg333Leu; replaces arginine 333 with leucine.
Molecular consequence: missense variant.
Genome position (GRCh38, 1-based): chr21:46,284,289, C>A on the plus strand (G>T on the coding strand, the complement: MCM3AP is on the minus strand). VCF-style: chr21-46284289-C-A. GRCh37 (hg19) VCF-style: chr21-47704203-C-A.
Other names: c.998G>T (NM_003906.3, NM_003906.4); short protein forms R333L.
Identifiers: ClinVar variation 1581891 (VCV001581891.11), dbSNP rs17182552, ClinGen allele CA10077214.